The following is an entry in ClinVar:

ClinVar aggregate classification (germline): Conflicting classifications of pathogenicity. Review status: criteria provided, conflicting classifications (1 of 4 stars). 3 submissions from 3 submitters: Likely pathogenic (2); Uncertain significance (1). Last evaluated 2024-05-24.

Conditions:
CRPPA-related disorder.
Muscular dystrophy-dystroglycanopathy (congenital with brain and eye anomalies), type A, 7. Also called: WALKER-WARBURG SYNDROME OR MUSCLE-EYE-BRAIN DISEASE, ISPD-RELATED; Congenital muscular dystrophy-dystroglycanopathy with brain and eye anomalies, type A7. Identifiers: Orphanet 899, MedGen C3553330, MONDO:0013835, OMIM 614643.
Autosomal recessive limb-girdle muscular dystrophy type 2U. Also called: MUSCULAR DYSTROPHY, LIMB-GIRDLE, TYPE 2U; Muscular dystrophy-dystroglycanopathy (limb-girdle), type c, 7. Identifiers: Orphanet 352479, MedGen C5190987, MONDO:0014474, OMIM 616052.

Allele frequency attached by ClinVar (database versions not stated): gnomAD 0.00001; TOPMed 0.00001.

Submissions (3):

Blueprint Genetics
Classification: Likely pathogenic for CRPPA-related disorders. Last evaluated: 2024-05-24. Review status: criteria provided, single submitter. Criteria: ACMG Guidelines, 2015. Collection method: clinical testing. Allele origin: germline. Affected: yes. Observed: 1 variant allele.

Revvity Omics, Revvity
Classification: Likely pathogenic. Last evaluated: 2022-08-19. Review status: criteria provided, single submitter. Criteria: ACMG Guidelines, 2015. Collection method: clinical testing. Allele origin: germline.

Labcorp Genetics (formerly Invitae), Labcorp
Classification: Uncertain significance for Muscular dystrophy-dystroglycanopathy (congenital with brain and eye anomalies), type A, 7; Autosomal recessive limb-girdle muscular dystrophy type 2U. Last evaluated: 2022-01-14. Review status: criteria provided, single submitter. Criteria: Invitae Variant Classification Sherloc (09022015). Collection method: clinical testing. Allele origin: germline.
Comment: This sequence change affects the initiator methionine of the ISPD mRNA. The next in-frame methionine is located at codon 60. This variant is not present in population databases (gnomAD no frequency). Disruption of the initiator codon has been observed in individual(s) with limb-girdle muscular dystrophy with cerebellar involvement (PMID: 23288328). ClinVar contains an entry for this variant (Variation ID: 1015082). Experimental studies and prediction algorithms are not available or were not evaluated, and the functional significance of this variant is currently unknown. This variant disrupts a region of the ISPD protein in which other variant(s) (p.Gly54Ala) have been observed in individuals with ISPD-related conditions (PMID: 23390185). This suggests that this is a clinically significant region of the protein, and that variants that disrupt it are likely to be disease-causing. In summary, the available evidence is currently insufficient to determine the role of this variant in disease. Therefore, it has been classified as a Variant of Uncertain Significance.

Literature cited by the submitters: PubMed 23288328 (cited by Labcorp Genetics (formerly Invitae), Labcorp); PubMed 23390185 (cited by Labcorp Genetics (formerly Invitae), Labcorp).

NM_001101426.4(CRPPA):c.1A>G (p.Met1Val)

Genes: CRPPA (CDP-L-ribitol pyrophosphorylase A; minus strand), LOC129998005 (ATAC-STARR-seq lymphoblastoid silent region 17982; plus strand). Cytogenetic location: 7p21.2.
Variant type: single nucleotide variant.
Coding change: c.1A>G on transcript NM_001101426.4 (MANE Select); coding-DNA position 1, A replaced by G.
Protein change: p.Met1Val; changes the start codon (methionine 1).
Molecular consequence: missense variant, initiator codon variant. On other transcripts: non-coding transcript variant (1).
Genome position (GRCh38, 1-based): chr7:16,421,322, T>C on the plus strand (A>G on the coding strand, the complement: CRPPA is on the minus strand). VCF-style: chr7-16421322-T-C. GRCh37 (hg19) VCF-style: chr7-16460947-T-C.
Other names: c.1A>G, p.Met1Val (NM_001101417.4, NM_001368197.1); short protein forms M1V.
Identifiers: ClinVar variation 1015082 (VCV001015082.9), dbSNP rs886043573, ClinGen allele CA367004633.